The following is an entry in ClinVar:

ClinVar aggregate classification (germline): Uncertain significance. Review status: criteria provided, multiple submitters, no conflicts (2 of 4 stars). 2 submissions from 2 submitters: Uncertain significance (2). Last evaluated 2026-05-01.

gnomAD v4.1: 2 of 1,614,068 alleles (0.00012%); highest among the groups gnomAD compares: Non-Finnish European, 0.00017%; no homozygotes.

Submissions (2):

CeGaT Center for Human Genetics Tuebingen
Classification: Uncertain significance. Last evaluated: 2026-05-01. Review status: criteria provided, single submitter. Criteria: CeGaT Center For Human Genetics Tuebingen Variant Classification Criteria Version 2. Collection method: clinical testing. Allele origin: germline. Affected: yes. Observed: 1 variant allele.
Comment: COL1A2: PM2, PP3

Blueprint Genetics
Classification: Uncertain significance. Last evaluated: 2023-05-26. Review status: criteria provided, single submitter. Criteria: ACMG Guidelines, 2015. Collection method: clinical testing. Allele origin: germline.

NM_000089.4(COL1A2):c.701G>C (p.Arg234Pro)

Gene: COL1A2 (collagen type I alpha 2 chain; plus strand). Cytogenetic location: 7q21.3.
Variant type: single nucleotide variant.
Coding change: c.701G>C on transcript NM_000089.4 (MANE Select); coding-DNA position 701, G replaced by C.
Protein change: p.Arg234Pro; replaces arginine 234 with proline.
Molecular consequence: missense variant.
Genome position (GRCh38, 1-based): chr7:94,408,343, G>C. VCF-style: chr7-94408343-G-C. GRCh37 (hg19) VCF-style: chr7-94037655-G-C.
Other names: short protein forms R234P.
Identifiers: ClinVar variation 4875059 (VCV004875059.3).